The following is an entry in ClinVar:

ClinVar aggregate classification (germline): Uncertain significance (1 of 4 stars; one submission).

Submission:

GeneDx
Classification: Uncertain significance. Last evaluated: 2022-03-02. Review status: criteria provided, single submitter. Criteria: GeneDx Variant Classification Process June 2021. Collection method: clinical testing. Allele origin: germline. Affected: yes.
Comment: Not observed at significant frequency in large population cohorts (gnomAD); In silico analysis supports that this missense variant has a deleterious effect on protein structure/function; Has not been previously published as pathogenic or benign to our knowledge

NM_001353345.2(SETD1B):c.2536C>T (p.Pro846Ser)

Gene: SETD1B (SET domain containing 1B, histone lysine methyltransferase; plus strand). Cytogenetic location: 12q24.31.
Variant type: single nucleotide variant.
Coding change: c.2536C>T on transcript NM_001353345.2 (MANE Select); coding-DNA position 2536, C replaced by T.
Protein change: p.Pro846Ser; replaces proline 846 with serine.
Molecular consequence: missense variant.
Genome position (GRCh38, 1-based): chr12:121,814,751, C>T. VCF-style: chr12-121814751-C-T. GRCh37 (hg19) VCF-style: chr12-122252657-C-T.
Other names: short protein forms P846S.
Identifiers: ClinVar variation 1704065 (VCV001704065.2), dbSNP rs2500202454, ClinGen allele CA386994866.